The following is an entry in ClinVar:

NM_201548.5(CERKL):c.1484del (p.Phe495fs)

Gene: CERKL (CERK like autophagy regulator; minus strand). Cytogenetic location: 2q31.3.
Variant type: Deletion.
Coding change: c.1484del on transcript NM_201548.5 (MANE Select); coding-DNA position 1484, one base deleted (T; older notation c.1484delT).
Protein change: p.Phe495fs; shifts the reading frame from phenylalanine 495.
Molecular consequence: frameshift variant. On other transcripts: non-coding transcript variant (2).
Genome position (GRCh38, 1-based): chr2:181,539,146, A deleted on the plus strand (T on the coding strand, the reverse complement: CERKL is on the minus strand); the first of 3 consecutive A bases (chr2:181,539,146-181,539,148); deleting any one gives the same sequence. VCF-style (leftmost placement, unchanged base first): chr2-181539145-GA-G. GRCh37 (hg19) VCF-style: chr2-182403872-GA-G.
Other names: c.1562del, p.Phe521fs (NM_001030311.3); c.1145del, p.Phe382fs (NM_001030312.3); c.1277del, p.Phe426fs (NM_001030313.3); c.*764delT (NM_001030314.1, NM_001030315.1); c.1430del, p.Phe477fs (NM_001160277.2); short protein forms F382fs, F426fs, F477fs, F495fs, F521fs.
Identifiers: ClinVar variation 5003959 (VCV005003959.1), dbSNP rs2468268596.

ClinVar aggregate classification (germline): Pathogenic (1 of 4 stars; one submission).

Conditions:
Retinitis pigmentosa 26 (RP26). Identifiers: Orphanet 791, MedGen C1842127, MONDO:0012024, OMIM 608380.

Submission:

Myriad Genetics, Inc.
Classification: Pathogenic for Retinitis pigmentosa 26. Last evaluated: 2026-09-04. Review status: criteria provided, single submitter. Criteria: Myriad Autosomal Dominant, Autosomal Recessive and X-Linked Classification Criteria (2023). Collection method: clinical testing. Allele origin: unknown.
Comment: NM_001030311.2(CERKL):c.1562delT(F521Sfs*5) is a frameshift variant classified as pathogenic in the context of retinitis pigmentosa, CERKL-related. F521Sfs*5 has not been observed in cases with relevant disease. Relevant functional assessments of this variant are not available in the literature. F521Sfs*5 has not been observed in referenced population frequency databases. In summary, NM_001030311.2(CERKL):c.1562delT(F521Sfs*5) is a frameshift variant in a gene where loss of function is a known mechanism of disease and is predicted to disrupt protein function. Please note: this variant was assessed in the context of healthy population screening.